The following is an entry in ClinVar:

NM_001365792.1(DAB1):c.1126C>G (p.Pro376Ala)

Gene: DAB1 (DAB adaptor protein 1; minus strand). Cytogenetic location: 1p32.2.
Variant type: single nucleotide variant.
Coding change: c.1126C>G on transcript NM_001365792.1 (MANE Select); coding-DNA position 1126, C replaced by G.
Protein change: p.Pro376Ala; replaces proline 376 with alanine.
Molecular consequence: missense variant.
Genome position (GRCh38, 1-based): chr1:57,015,201, G>C on the plus strand (C>G on the coding strand, the complement: DAB1 is on the minus strand). VCF-style: chr1-57015201-G-C. GRCh37 (hg19) VCF-style: chr1-57480874-G-C.
Other names: c.1126C>G, p.Pro376Ala (NM_001353983.2, NM_001353985.2, NM_001365793.1 and 3 more transcripts); c.1120C>G, p.Pro374Ala (NM_001353986.2, NM_001379461.1); short protein forms P374A, P376A.
Identifiers: ClinVar variation 3079874 (VCV003079874.2), dbSNP rs200585955, ClinGen allele CA876297.
Genomic context (GRCh38, chr1:57,015,201, plus strand): 5'-AGTCACTCGTGCCTGGGACGGTGGCAAGGGGGGTGAGGGGACCTTGGAACATGGCAGCTG[G>C]CAAAGGCATAACAGTTTGTGTGGGCATGAAGGCGGCTGGCGGAAACTGCCCGGCCACAGT-3'
Protein context (NP_001352721.1, residues 366-386): FMPTQTVMPL[Pro376Ala]AAMFQGPLTP

ClinVar aggregate classification (germline): Uncertain significance. Review status: criteria provided, multiple submitters, no conflicts (2 of 4 stars). 2 submissions from 2 submitters: Uncertain significance (2). Last evaluated 2025-05-20.

Allele frequency attached by ClinVar (database versions not stated): TOPMed 0.00008; gnomAD 0.00009; 1000 Genomes Project 0.00020; 1000 Genomes Project 30x 0.00031.
gnomAD v4.1: 29 of 1,614,062 alleles (0.0018%); highest among the groups gnomAD compares: African/African-American, 0.037%; no homozygotes.

Submissions (2):

Women's Health and Genetics/Laboratory Corporation of America, LabCorp
Classification: Uncertain significance. Last evaluated: 2025-05-20. Review status: criteria provided, single submitter. Criteria: LabCorp Variant Classification Summary - May 2015. Collection method: clinical testing. Allele origin: germline.
Comment: Variant summary: DAB1 c.1126C>G (p.Pro376Ala) results in a non-conservative amino acid change in the encoded protein sequence. Algorithms developed to predict the effect of missense changes on protein structure and function are either unavailable or do not agree on the potential impact of this missense change. The variant allele was found at a frequency of 8e-06 in 251150 control chromosomes. The available data on variant occurrences in the general population are insufficient to allow any conclusion about variant significance. To our knowledge, no occurrence of c.1126C>G in individuals affected with Spinocerebellar Ataxia Type 37 and no experimental evidence demonstrating its impact on protein function have been reported. ClinVar contains an entry for this variant (Variation ID: 3079874). Based on the evidence outlined above, the variant was classified as uncertain significance.

Ambry Genetics
Classification: Uncertain significance. Last evaluated: 2023-10-03. Review status: criteria provided, single submitter. Criteria: Ambry Variant Classification Scheme 2023. Collection method: clinical testing. Allele origin: germline.